The following is an entry in ClinVar:

NM_000238.4(KCNH2):c.2414T>C (p.Phe805Ser)

Gene: KCNH2 (potassium voltage-gated channel subfamily H member 2; minus strand). Cytogenetic location: 7q36.1.
Variant type: single nucleotide variant.
Coding change: c.2414T>C on transcript NM_000238.4 (MANE Select); coding-DNA position 2414, T replaced by C.
Protein change: p.Phe805Ser; replaces phenylalanine 805 with serine.
Molecular consequence: missense variant. On other transcripts: non-coding transcript variant (2).
Genome position (GRCh38, 1-based): chr7:150,949,034, A>G on the plus strand (T>C on the coding strand, the complement: KCNH2 is on the minus strand). VCF-style: chr7-150949034-A-G. GRCh37 (hg19) VCF-style: chr7-150646122-A-G.
Other names: p.F805S:TTT>TCT; c.2414T>C (LRG_288t1); c.2126T>C, p.Phe709Ser (NM_001406753.1); c.1394T>C, p.Phe465Ser (NM_172057.3); short protein forms F465S, F805S, F709S.
Identifiers: ClinVar variation 67396 (VCV000067396.4), dbSNP rs199472999, ClinGen allele CA006704.

ClinVar aggregate classification (germline): Pathogenic/Likely pathogenic. Review status: criteria provided, multiple submitters, no conflicts (2 of 4 stars). 3 submissions from 3 submitters: Pathogenic (1); Likely pathogenic (1). 1 of the submissions does not count toward it. Last evaluated 2025-10-26.

Conditions:
Familial long QT syndrome (RWS). Also called: Romano-Ward syndrome; VENTRICULAR FIBRILLATION WITH PROLONGED QT INTERVAL; Congenital long QT syndrome. Identifiers: Orphanet 768, MedGen C1141890, MONDO:0019171.
Long QT syndrome (LQTS). Identifiers: MedGen C0023976, MeSH D008133, MONDO:0002442. Disease mechanism: loss of function. Inheritance: Various modes of inheritance.

Submissions (3):

Labcorp Genetics (formerly Invitae), Labcorp
Classification: Likely pathogenic for Long QT syndrome. Last evaluated: 2025-10-26. Review status: criteria provided, single submitter. Criteria: Invitae Variant Classification Sherloc (09022015). Collection method: clinical testing. Allele origin: germline.
Comment: This sequence change replaces phenylalanine, which is neutral and non-polar, with serine, which is neutral and polar, at codon 805 of the KCNH2 protein (p.Phe805Ser). This variant is not present in population databases (gnomAD no frequency). This missense change has been observed in individuals with long QT syndrome (PMID: 10973849; internal data). ClinVar contains an entry for this variant (Variation ID: 67396). An algorithm developed to predict the effect of missense changes on protein structure and function (PolyPhen-2) suggests that this variant is likely to be disruptive. Experimental studies have shown that this missense change affects KCNH2 function (PMID: 25417810). This variant disrupts the p.Phe805 amino acid residue in KCNH2. Other variant(s) that disrupt this residue have been determined to be pathogenic (PMID: 11854117). This suggests that this residue is clinically significant, and that variants that disrupt this residue are likely to be disease-causing. In summary, the currently available evidence indicates that the variant is pathogenic, but additional data are needed to prove that conclusively. Therefore, this variant has been classified as Likely Pathogenic.

GeneDx
Classification: Pathogenic. Last evaluated: 2012-02-02. Review status: criteria provided, single submitter. Criteria: GeneDx Variant Classification (06012015). Collection method: clinical testing. Allele origin: germline. Affected: yes.
Comment: The Phe805Ser mutation in the KCNH2 gene has been reported previously in one individual with a diagnosis of LQTS and it was absent from more than 400 control alleles. Additionally, the NHLBI ESP Exome Variant Server reports Phe805Ser was not observed in approximately 5,000 samples from individuals of European and African American backgrounds, indicating it is not a common benign variant in these populations. Phe805Ser results in a non-conservative amino acid substitution of a non-polar Phenylalanine residue with a polar Serine residue. Other mutations in this codon (Phe805Cys) and in nearby codons (Gly800Glu, Gly800Trp, Gly806Glu) have been reported in association with LQTS, further supporting the functional importance of this residue and this region of the protein. Therefore, the presence of the Phe805Ser mutation in the KCNH2 gene is consistent with a diagnosis of LQTS. The variant is found in LQT panel(s).

Cardiovascular Biomedical Research Unit, Royal Brompton & Harefield NHS Foundation Trust
No classification provided. Condition: Familial long QT syndrome. Review status: no classification provided. Collection method: literature only. Allele origin: germline. Not counted in ClinVar's aggregate classification.
Comment: This variant has been reported as associated with Long QT syndrome in the following publications (PMID:10973849). This is a literature report, and does not necessarily reflect the clinical interpretation of the Imperial College / Royal Brompton Cardiovascular Genetics laboratory.

Literature cited by the submitters: PubMed 10973849 (cited by Labcorp Genetics (formerly Invitae), Labcorp and Cardiovascular Biomedical Research Unit, Royal Brompton & Harefield NHS Foundation Trust); PubMed 25417810 (cited by Labcorp Genetics (formerly Invitae), Labcorp); PubMed 11854117 (cited by Labcorp Genetics (formerly Invitae), Labcorp); PubMed 22581653 (cited by Cardiovascular Biomedical Research Unit, Royal Brompton & Harefield NHS Foundation Trust).